The following is an entry in ClinVar:

NM_015450.3(POT1):c.131G>T (p.Cys44Phe)

Gene: POT1 (protection of telomeres 1; minus strand). Cytogenetic location: 7q31.33.
Variant type: single nucleotide variant.
Coding change: c.131G>T on transcript NM_015450.3 (MANE Select); coding-DNA position 131, G replaced by T.
Protein change: p.Cys44Phe; replaces cysteine 44 with phenylalanine.
Molecular consequence: missense variant. On other transcripts: non-coding transcript variant (3), intron variant (1).
Genome position (GRCh38, 1-based): chr7:124,871,035, C>A on the plus strand (G>T on the coding strand, the complement: POT1 is on the minus strand). VCF-style: chr7-124871035-C-A. GRCh37 (hg19) VCF-style: chr7-124511089-C-A.
Other names: c.-138-7395G>T (NM_001042594.2); c.131G>T (NM_015450.2); short protein forms C44F.
Identifiers: ClinVar variation 1042300 (VCV001042300.10), dbSNP rs1260027166, ClinGen allele CA369061718.

ClinVar aggregate classification (germline): Uncertain significance. Review status: criteria provided, multiple submitters, no conflicts (2 of 4 stars). 2 submissions from 2 submitters: Uncertain significance (2). Last evaluated 2025-08-31.

Conditions:
Tumor predisposition syndrome 3 (TPDS3). Also called: Melanoma, cutaneous malignant, susceptibility to, 10; Glioma susceptibility 9; LONG TELOMERE SYNDROME, POT1-RELATED; POT1 Tumor Predisposition. Identifiers: Orphanet 618, MedGen C4014476, MONDO:0014368, OMIM 615848.
Hereditary cancer-predisposing syndrome. Also called: Neoplastic Syndromes, Hereditary; Hereditary Cancer Syndrome; Hereditary neoplastic syndrome; Tumor predisposition. Identifiers: Orphanet 140162, MedGen C0027672, MeSH D009386, MONDO:0015356.

Submissions (2):

Ambry Genetics
Classification: Uncertain significance for Hereditary cancer-predisposing syndrome. Last evaluated: 2025-08-31. Review status: criteria provided, single submitter. Criteria: Ambry Variant Classification Scheme 2023. Collection method: clinical testing. Allele origin: germline.
Comment: The p.C44F variant (also known as c.131G>T), located in coding exon 3 of the POT1 gene, results from a G to T substitution at nucleotide position 131. The cysteine at codon 44 is replaced by phenylalanine, an amino acid with highly dissimilar properties. This amino acid position is conserved. In addition, the in silico prediction for this alteration is inconclusive. Based on the available evidence, the clinical significance of this variant remains unclear.

Labcorp Genetics (formerly Invitae), Labcorp
Classification: Uncertain significance for Tumor predisposition syndrome 3. Last evaluated: 2024-08-10. Review status: criteria provided, single submitter. Criteria: Invitae Variant Classification Sherloc (09022015). Collection method: clinical testing. Allele origin: germline.
Comment: This sequence change replaces cysteine, which is neutral and slightly polar, with phenylalanine, which is neutral and non-polar, at codon 44 of the POT1 protein (p.Cys44Phe). This variant is not present in population databases (gnomAD no frequency). This variant has not been reported in the literature in individuals affected with POT1-related conditions. ClinVar contains an entry for this variant (Variation ID: 1042300). Advanced modeling of protein sequence and biophysical properties (such as structural, functional, and spatial information, amino acid conservation, physicochemical variation, residue mobility, and thermodynamic stability) performed at Invitae indicates that this missense variant is not expected to disrupt POT1 protein function with a negative predictive value of 80%. In summary, the available evidence is currently insufficient to determine the role of this variant in disease. Therefore, it has been classified as a Variant of Uncertain Significance.